The following is an entry in ClinVar:

ClinVar aggregate classification (germline): Uncertain significance. Review status: criteria provided, multiple submitters, no conflicts (2 of 4 stars). 2 submissions from 2 submitters: Uncertain significance (2). Last evaluated 2025-11-14.

Conditions:
Inborn genetic diseases. Identifiers: MedGen C0950123, MeSH D030342.

Submissions (2):

Dasa
Classification: Uncertain significance. Last evaluated: 2025-11-14. Review status: criteria provided, single submitter. Criteria: DASA Assertion Criteria. Collection method: clinical testing. Allele origin: germline.
Comment: NM_001005273.3(CHD3):c.734C>A (p.Pro245His) is a missense variant that results in the substitution of proline with histidine. This variant is rare in population databases. The currently available literature and clinical evidence are not sufficient to establish a definitive association between this variant and the reported condition. Therefore, this variant is classified as a variant of uncertain significance.

Ambry Genetics
Classification: Uncertain significance for Inborn genetic diseases. Last evaluated: 2025-04-25. Review status: criteria provided, single submitter. Criteria: Ambry Variant Classification Scheme 2023. Collection method: clinical testing. Allele origin: germline.

NM_001005273.3(CHD3):c.734C>A (p.Pro245His)

Gene: CHD3 (chromodomain helicase DNA binding protein 3; plus strand). Cytogenetic location: 17p13.1.
Variant type: single nucleotide variant.
Coding change: c.734C>A on transcript NM_001005273.3 (MANE Select); coding-DNA position 734, C replaced by A.
Protein change: p.Pro245His; replaces proline 245 with histidine.
Molecular consequence: missense variant.
Genome position (GRCh38, 1-based): chr17:7,893,510, C>A. VCF-style: chr17-7893510-C-A. GRCh37 (hg19) VCF-style: chr17-7796828-C-A.
Other names: c.911C>A, p.Pro304His (NM_001005271.3); c.734C>A, p.Pro245His (NM_005852.4); short protein forms P304H, P245H.
Identifiers: ClinVar variation 4002112 (VCV004002112.3).